The following is an entry in ClinVar:

NM_173689.7(CRB2):c.3787C>G (p.Gln1263Glu)

Gene: CRB2 (crumbs cell polarity complex component 2; plus strand). Cytogenetic location: 9q33.3.
Variant type: single nucleotide variant.
Coding change: c.3787C>G on transcript NM_173689.7 (MANE Select); coding-DNA position 3787, C replaced by G.
Protein change: p.Gln1263Glu; replaces glutamine 1263 with glutamic acid.
Molecular consequence: missense variant. On other transcripts: non-coding transcript variant (1).
Genome position (GRCh38, 1-based): chr9:123,376,991, C>G. VCF-style: chr9-123376991-C-G. GRCh37 (hg19) VCF-style: chr9-126139270-C-G.
Other names: p.Gln1263Glu; short protein forms Q1263E.
Identifiers: ClinVar variation 3379896 (VCV003379896.1).

ClinVar aggregate classification (germline): Uncertain significance (1 of 4 stars; one submission).

Submission:

Mayo Clinic Laboratories, Mayo Clinic
Classification: Uncertain significance. Last evaluated: 2024-01-23. Review status: criteria provided, single submitter. Criteria: ACMG Guidelines, 2015. Collection method: clinical testing. Allele origin: germline. Observed: 1 variant allele.
Comment: PM2